The following is an entry in ClinVar:

NC_000022.10:g.(?_18910310)_(19770565_?)dup

Genes: SLC25A1 (solute carrier family 25 member 1; minus strand), CDC45 (cell division cycle 45; plus strand), MRPL40 (mitochondrial ribosomal protein L40; plus strand), SEPTIN5 (septin 5; plus strand), GSC2 (goosecoid homeobox 2; minus strand) and 11 more. Cytogenetic location: 22q11.21.
Variant type: Duplication.
Identifiers: ClinVar variation 830399 (VCV000830399.1).

ClinVar aggregate classification (germline): Uncertain significance (1 of 4 stars; one submission).

Conditions:
DiGeorge syndrome. Also called: THIRD AND FOURTH PHARYNGEAL POUCH SYNDROME; Catch22. Identifiers: Orphanet 567, MedGen C0012236, MONDO:0008564, OMIM 188400.

Submission:

Labcorp Genetics (formerly Invitae), Labcorp
Classification: Uncertain significance for DiGeorge sequence. Last evaluated: 2019-05-15. Review status: criteria provided, single submitter. Criteria: Invitae Variant Classification Sherloc (09022015). Collection method: clinical testing. Allele origin: germline.
Comment: This variant results in a copy number gain of the genomic region encompassing the full coding sequence of the TBX1 gene. The boundaries of this event are unknown as they extend beyond the assayed region for this gene and therefore may encompass additional genes. As the precise location of this event is unknown, it may be in tandem or it may be located elsewhere in the genome. This variant has not been reported in the literature in individuals with TBX1-related conditions. In summary, the available evidence is currently insufficient to determine the role of this variant in disease. Therefore, it has been classified as a Variant of Uncertain Significance.